The following is an entry in ClinVar:

ClinVar aggregate classification (germline): Uncertain significance (1 of 4 stars; one submission).

Conditions:
Rubinstein-Taybi syndrome (RSTS). Identifiers: Orphanet 783, MedGen C0035934, MONDO:0019188.

Allele frequency attached by ClinVar (database versions not stated): gnomAD exomes below 0.00001.
gnomAD v4.1: 1 of 1,603,178 alleles (0.000062%); highest among the groups gnomAD compares: Non-Finnish European, 0.000085%; no homozygotes.

Submission:

Labcorp Genetics (formerly Invitae), Labcorp
Classification: Uncertain significance for Rubinstein-Taybi syndrome. Last evaluated: 2022-10-05. Review status: criteria provided, single submitter. Criteria: Invitae Variant Classification Sherloc (09022015). Collection method: clinical testing. Allele origin: germline.
Comment: Advanced modeling of protein sequence and biophysical properties (such as structural, functional, and spatial information, amino acid conservation, physicochemical variation, residue mobility, and thermodynamic stability) performed at Invitae indicates that this missense variant is not expected to disrupt CREBBP protein function. This sequence change replaces asparagine, which is neutral and polar, with threonine, which is neutral and polar, at codon 1734 of the CREBBP protein (p.Asn1734Thr). This variant is not present in population databases (gnomAD no frequency). This variant has not been reported in the literature in individuals affected with CREBBP-related conditions. In summary, the available evidence is currently insufficient to determine the role of this variant in disease. Therefore, it has been classified as a Variant of Uncertain Significance.

NM_004380.3(CREBBP):c.5201A>C (p.Asn1734Thr)

Gene: CREBBP (CREB binding lysine acetyltransferase; minus strand). Cytogenetic location: 16p13.3.
Variant type: single nucleotide variant.
Coding change: c.5201A>C on transcript NM_004380.3 (MANE Select); coding-DNA position 5201, A replaced by C.
Protein change: p.Asn1734Thr; replaces asparagine 1734 with threonine.
Molecular consequence: missense variant.
Genome position (GRCh38, 1-based): chr16:3,729,846, T>G on the plus strand (A>C on the coding strand, the complement: CREBBP is on the minus strand). VCF-style: chr16-3729846-T-G. GRCh37 (hg19) VCF-style: chr16-3779847-T-G.
Other names: c.5087A>C, p.Asn1696Thr (NM_001079846.1); short protein forms N1696T, N1734T.
Identifiers: ClinVar variation 1719795 (VCV001719795.5), dbSNP rs2151312573, ClinGen allele CA394557710.